The following is an entry in ClinVar:

ClinVar aggregate classification (germline): Pathogenic (1 of 4 stars; one submission).

Conditions:
Immunodeficiency, common variable, 2 (CVID2). Also called: ANTIBODY DEFICIENCY DUE TO TACI DEFECT; HYPOGAMMAGLOBULINEMIA DUE TO TACI DEFICIENCY. Identifiers: Orphanet 1572, MedGen C3150354, MONDO:0009413, OMIM 240500.

Submission:

Labcorp Genetics (formerly Invitae), Labcorp
Classification: Pathogenic for Immunodeficiency, common variable, 2. Last evaluated: 2022-08-31. Review status: criteria provided, single submitter. Criteria: Invitae Variant Classification Sherloc (09022015). Collection method: clinical testing. Allele origin: germline.
Comment: This variant has not been reported in the literature in individuals affected with TNFRSF13B-related conditions. This variant is a gross deletion of the genomic region encompassing exon(s) 1 of the TNFRSF13B gene, which includes the initiator codon. This deletion extends beyond the assayed region for this gene and therefore may encompass additional genes. It is expected to result in an absent or disrupted protein product. Loss-of-function variants in TNFRSF13B are known to be pathogenic (PMID: 16007087, 27123465). For these reasons, this variant has been classified as Pathogenic.

Literature cited by the submitters: PubMed 16007087; PubMed 27123465.

NC_000017.10:g.(?_16875309)_(16875389_?)del

Gene: TNFRSF13B (TNF receptor superfamily member 13B; minus strand). Cytogenetic location: 17p11.2.
Variant type: Deletion.
Identifiers: ClinVar variation 2425818 (VCV002425818.4).